The following is an entry in ClinVar:

NM_024675.3(PALB2):c.2835-281_3113+1374del

Gene: PALB2 (partner and localizer of BRCA2; minus strand). Cytogenetic location: 16p12.2.
Variant type: Deletion.
Coding change: c.2835-281_3113+1374del on transcript NM_024675.3; 281 bases into the intron before coding-DNA position 2835 through 1374 bases into the intron after coding-DNA position 3113, this stretch deleted.
Identifiers: ClinVar variation 830181 (VCV000830181.2).

ClinVar aggregate classification (germline): Pathogenic (0 of 4 stars; one submission).

Conditions:
Familial cancer of breast. Also called: BREAST CANCER, FAMILIAL; Hereditary breast cancer; hereditary breast carcinoma. Identifiers: Orphanet 227535, MedGen C0346153, MONDO:0016419, OMIM 114480. Disease mechanism: loss of function.

Submission:

Leiden Open Variation Database
Classification: Pathogenic for Familial cancer of breast. Last evaluated: 2019-05-13. Review status: no assertion criteria provided. Collection method: curation. Allele origin: germline. Affected: yes.
Comment: Curators: Marc Tischkowitz, Arleen D. Auerbach. Submitter to LOVD: Marc Tischkowitz.

Literature cited by the submitters: PubMed 24136930.